The following is an entry in ClinVar:

ClinVar aggregate classification (germline): Uncertain significance. Review status: criteria provided, multiple submitters, no conflicts (2 of 4 stars). 2 submissions from 2 submitters: Uncertain significance (2). Last evaluated 2025-06-20.

Conditions:
Hereditary cancer-predisposing syndrome. Also called: Tumor predisposition; Hereditary neoplastic syndrome; Neoplastic Syndromes, Hereditary; Hereditary Cancer Syndrome. Identifiers: Orphanet 140162, MedGen C0027672, MeSH D009386, MONDO:0015356.

Allele frequency attached by ClinVar (database versions not stated): gnomAD exomes below 0.00001 and 0.00001; ExAC 0.00001.
gnomAD v4.1: 2 of 1,608,526 alleles (0.00012%); highest among the groups gnomAD compares: Admixed American, 0.0033%; no homozygotes.

Submissions (2):

Ambry Genetics
Classification: Uncertain significance for Hereditary cancer-predisposing syndrome. Last evaluated: 2025-06-20. Review status: criteria provided, single submitter. Criteria: Ambry Variant Classification Scheme 2023. Collection method: clinical testing. Allele origin: germline.
Comment: The p.A1093T variant (also known as c.3277G>A), located in coding exon 27 of the POLE gene, results from a G to A substitution at nucleotide position 3277. The alanine at codon 1093 is replaced by threonine, an amino acid with similar properties. This amino acid position is conserved. In addition, the in silico prediction for this alteration is inconclusive. Since supporting evidence is limited at this time, the clinical significance of this alteration remains unclear.

Labcorp Genetics (formerly Invitae), Labcorp
Classification: Uncertain significance. Last evaluated: 2024-05-31. Review status: criteria provided, single submitter. Criteria: Invitae Variant Classification Sherloc (09022015). Collection method: clinical testing. Allele origin: germline.
Comment: This sequence change replaces alanine, which is neutral and non-polar, with threonine, which is neutral and polar, at codon 1093 of the POLE protein (p.Ala1093Thr). This variant is present in population databases (rs757323968, gnomAD 0.006%). This variant has not been reported in the literature in individuals affected with POLE-related conditions. ClinVar contains an entry for this variant (Variation ID: 844862). An algorithm developed to predict the effect of missense changes on protein structure and function (PolyPhen-2) suggests that this variant is likely to be disruptive. In summary, the available evidence is currently insufficient to determine the role of this variant in disease. Therefore, it has been classified as a Variant of Uncertain Significance.

NM_006231.4(POLE):c.3277G>A (p.Ala1093Thr)

Gene: POLE (DNA polymerase epsilon, catalytic subunit; minus strand). Cytogenetic location: 12q24.33.
Variant type: single nucleotide variant.
Coding change: c.3277G>A on transcript NM_006231.4 (MANE Select); coding-DNA position 3277, G replaced by A.
Protein change: p.Ala1093Thr; replaces alanine 1093 with threonine.
Molecular consequence: missense variant.
Genome position (GRCh38, 1-based): chr12:132,657,969, C>T on the plus strand (G>A on the coding strand, the complement: POLE is on the minus strand). VCF-style: chr12-132657969-C-T. GRCh37 (hg19) VCF-style: chr12-133234555-C-T.
Other names: short protein forms A1093T.
Identifiers: ClinVar variation 844862 (VCV000844862.13), dbSNP rs757323968, ClinGen allele CA6893290.